The following is an entry in ClinVar:

ClinVar aggregate classification (germline): Uncertain significance (1 of 4 stars; one submission).

Conditions:
Hereditary cancer-predisposing syndrome. Also called: Neoplastic Syndromes, Hereditary; Tumor predisposition; Hereditary neoplastic syndrome; Hereditary Cancer Syndrome. Identifiers: Orphanet 140162, MedGen C0027672, MeSH D009386, MONDO:0015356.

Submission:

Ambry Genetics
Classification: Uncertain significance for Hereditary cancer-predisposing syndrome. Last evaluated: 2023-01-19. Review status: criteria provided, single submitter. Criteria: Ambry Variant Classification Scheme 2023. Collection method: clinical testing. Allele origin: germline.
Comment: The p.P253S variant (also known as c.757C>T), located in coding exon 6 of the PTCH1 gene, results from a C to T substitution at nucleotide position 757. The proline at codon 253 is replaced by serine, an amino acid with similar properties. This amino acid position is well conserved in available vertebrate species. In addition, the in silico prediction for this alteration is inconclusive. Since supporting evidence is limited at this time, the clinical significance of this alteration remains unclear.

NM_000264.5(PTCH1):c.757C>T (p.Pro253Ser)

Gene: PTCH1 (patched 1; minus strand). Cytogenetic location: 9q22.32.
Variant type: single nucleotide variant.
Coding change: c.757C>T on transcript NM_000264.5 (MANE Select); coding-DNA position 757, C replaced by T.
Protein change: p.Pro253Ser; replaces proline 253 with serine.
Molecular consequence: missense variant. On other transcripts: non-coding transcript variant (1).
Genome position (GRCh38, 1-based): chr9:95,480,578, G>A on the plus strand (C>T on the coding strand, the complement: PTCH1 is on the minus strand). VCF-style: chr9-95480578-G-A. GRCh37 (hg19) VCF-style: chr9-98242860-G-A.
Other names: c.559C>T, p.Pro187Ser (NM_001083602.3); c.754C>T, p.Pro252Ser (NM_001083603.3); c.304C>T, p.Pro102Ser (NM_001083604.3, NM_001083605.3, NM_001083606.3 and 1 more transcripts); c.757C>T, p.Pro253Ser (NM_001354918.2); short protein forms P253S, P187S, P252S, P102S.
Identifiers: ClinVar variation 2449664 (VCV002449664.2), dbSNP rs2118428333, ClinGen allele CA374114588.